The following is an entry in ClinVar:

ClinVar aggregate classification (germline): Uncertain significance (1 of 4 stars; one submission).

Allele frequency attached by ClinVar (database versions not stated): gnomAD exomes below 0.00001; gnomAD 0.00001; TOPMed 0.00002.
gnomAD v4.1: 4 of 1,613,508 alleles (0.00025%); highest among the groups gnomAD compares: Admixed American, 0.0033%; no homozygotes.

Submission:

Labcorp Genetics (formerly Invitae), Labcorp
Classification: Uncertain significance. Last evaluated: 2026-01-26. Review status: criteria provided, single submitter. Criteria: Invitae Variant Classification Sherloc (09022015). Collection method: clinical testing. Allele origin: germline.
Comment: This sequence change replaces serine, which is neutral and polar, with asparagine, which is neutral and polar, at codon 165 of the HOMER2 protein (p.Ser165Asn). This variant also falls at the last nucleotide of exon 5, which is part of the consensus splice site for this exon. This variant is not present in population databases (gnomAD no frequency). This variant has not been reported in the literature in individuals affected with HOMER2-related conditions. ClinVar contains an entry for this variant (Variation ID: 2076203). An algorithm developed to predict the effect of missense changes on protein structure and function (PolyPhen-2) suggests that this variant is likely to be disruptive. Variants that disrupt the consensus splice site are a relatively common cause of aberrant splicing (PMID: 17576681, 9536098). In summary, the available evidence is currently insufficient to determine the role of this variant in disease. Therefore, it has been classified as a Variant of Uncertain Significance.

Literature cited by the submitters: PubMed 17576681; PubMed 9536098.

NM_004839.4(HOMER2):c.494G>A (p.Ser165Asn)

Gene: HOMER2 (homer scaffold protein 2; minus strand). Cytogenetic location: 15q25.2.
Variant type: single nucleotide variant.
Coding change: c.494G>A on transcript NM_004839.4 (MANE Select); coding-DNA position 494, G replaced by A.
Protein change: p.Ser165Asn; replaces serine 165 with asparagine.
Molecular consequence: missense variant.
Genome position (GRCh38, 1-based): chr15:82,859,029, C>T on the plus strand (G>A on the coding strand, the complement: HOMER2 is on the minus strand). VCF-style: chr15-82859029-C-T. GRCh37 (hg19) VCF-style: chr15-83527781-C-T.
Other names: c.527G>A, p.Ser176Asn (NM_199330.3); short protein forms S165N, S176N.
Identifiers: ClinVar variation 2076203 (VCV002076203.4), dbSNP rs928396831, ClinGen allele CA273521053.